The following is an entry in ClinVar:

NM_007214.5(SEC63):c.979A>G (p.Lys327Glu)

Gene: SEC63 (SEC63 protein translocation regulator; minus strand). Cytogenetic location: 6q21.
Variant type: single nucleotide variant.
Coding change: c.979A>G on transcript NM_007214.5 (MANE Select); coding-DNA position 979, A replaced by G.
Protein change: p.Lys327Glu; replaces lysine 327 with glutamic acid.
Molecular consequence: missense variant.
Genome position (GRCh38, 1-based): chr6:107,904,704, T>C on the plus strand (A>G on the coding strand, the complement: SEC63 is on the minus strand). VCF-style: chr6-107904704-T-C. GRCh37 (hg19) VCF-style: chr6-108225908-T-C.
Other names: short protein forms K327E.
Identifiers: ClinVar variation 904249 (VCV000904249.5), dbSNP rs559390998, ClinGen allele CA3947530.
Genomic context (GRCh38, chr6:107,904,704, plus strand): 5'-CCATTACTATTAGTTGGCAGATTACATTAACCATTTCTTGAAGTAGGGCAGGACACTTTT[T>C]TAGCATGAATTGCTGATCTGCAAAACAATAAAAAACCTGAAACAGATCATTTTAATTTTA-3'
Protein context (NP_009145.1, residues 317-337): TLEEDQQFML[Lys327Glu]KCPALLQEMV

ClinVar aggregate classification (germline): Benign/Likely benign. Review status: criteria provided, multiple submitters, no conflicts (2 of 4 stars). 2 submissions from 2 submitters: Benign (1); Likely benign (1). Last evaluated 2024-09-12.

Conditions:
Polycystic liver disease 2 (PCLD2). Also called: Polycystic liver disease 2 with or without kidney cysts. Identifiers: Orphanet 2924, MedGen C4310769, MONDO:0014860, OMIM 617004.

Allele frequency attached by ClinVar (database versions not stated): gnomAD below 0.00001 and 0.00003; gnomAD exomes 0.00008 and 0.00015; ExAC 0.00019; 1000 Genomes Project 30x 0.00031; 1000 Genomes Project 0.00040.
gnomAD v4.1: 119 of 1,612,954 alleles (0.0074%); highest among the groups gnomAD compares: South Asian, 0.091%; 1 homozygote.

Submissions (2):

Blueprint Genetics
Classification: Likely benign. Last evaluated: 2024-09-12. Review status: criteria provided, single submitter. Criteria: ACMG Guidelines, 2015. Collection method: clinical testing. Allele origin: germline.

Illumina Laboratory Services, Illumina
Classification: Benign for Polycystic liver disease 2. Last evaluated: 2018-01-13. Review status: criteria provided, single submitter. Criteria: ICSL Variant Classification Criteria 13 December 2019. Collection method: clinical testing. Allele origin: germline.
Comment: This variant was observed in the ICSL laboratory as part of a predisposition screen in an ostensibly healthy population. It had not been previously curated by ICSL or reported in the Human Gene Mutation Database (HGMD: prior to June 1st, 2018), and was therefore a candidate for classification through an automated scoring system. Utilizing variant allele frequency, disease prevalence and penetrance estimates, and inheritance mode, an automated score was calculated to assess if this variant is too frequent to cause the disease. Based on the score and internal cut-off values, a variant classified as benign is not then subjected to further curation. The score for this variant resulted in a classification of benign for this disease.